The following is an entry in ClinVar:

NM_025137.4(SPG11):c.2069A>G (p.Glu690Gly)

Gene: SPG11 (SPG11 vesicle trafficking associated, spatacsin; minus strand). Cytogenetic location: 15q21.1.
Variant type: single nucleotide variant.
Coding change: c.2069A>G on transcript NM_025137.4 (MANE Select); coding-DNA position 2069, A replaced by G.
Protein change: p.Glu690Gly; replaces glutamic acid 690 with glycine.
Molecular consequence: missense variant.
Genome position (GRCh38, 1-based): chr15:44,626,506, T>C on the plus strand (A>G on the coding strand, the complement: SPG11 is on the minus strand). VCF-style: chr15-44626506-T-C. GRCh37 (hg19) VCF-style: chr15-44918704-T-C.
Other names: c.2069A>G, p.Glu690Gly (NM_001160227.2, NM_001411132.1); short protein forms E690G.
Identifiers: ClinVar variation 2177419 (VCV002177419.1), dbSNP rs965884044, ClinGen allele CA270078537.

ClinVar aggregate classification (germline): Uncertain significance (1 of 4 stars; one submission).

Conditions:
Hereditary spastic paraplegia 11. Also called: SPASTIC PARAPLEGIA, AUTOSOMAL RECESSIVE, COMPLICATED, WITH THIN CORPUS CALLOSUM; SPASTIC PARAPLEGIA, AUTOSOMAL RECESSIVE, WITH MENTAL IMPAIRMENT AND THIN CORPUS CALLOSUM; Spastic Paraplegia 11; Nakamura Osame syndrome; Autosomal recessive hereditary spastic paraplegia, mental impairment, and thin corpus callosum; Spastic paraplegia, mental retardation and thin corpus callosum. Identifiers: Orphanet 2822, MedGen C1858479, MONDO:0011445, OMIM 604360.

Allele frequency attached by ClinVar (database versions not stated): TOPMed below 0.00001.
gnomAD v4.1: 5 of 1,613,666 alleles (0.00031%); highest among the groups gnomAD compares: Admixed American, 0.0083%; no homozygotes.

Submission:

Labcorp Genetics (formerly Invitae), Labcorp
Classification: Uncertain significance for Hereditary spastic paraplegia 11. Last evaluated: 2022-06-08. Review status: criteria provided, single submitter. Criteria: Invitae Variant Classification Sherloc (09022015). Collection method: clinical testing. Allele origin: germline.
Comment: This sequence change replaces glutamic acid, which is acidic and polar, with glycine, which is neutral and non-polar, at codon 690 of the SPG11 protein (p.Glu690Gly). This variant is present in population databases (no rsID available, gnomAD 0.01%). This missense change has been observed in individual(s) with clinical features of SPG11-related conditions (Invitae). Algorithms developed to predict the effect of missense changes on protein structure and function are either unavailable or do not agree on the potential impact of this missense change (SIFT: "Deleterious"; PolyPhen-2: "Possibly Damaging"; Align-GVGD: "Class C0"). Algorithms developed to predict the effect of sequence changes on RNA splicing suggest that this variant may disrupt the consensus splice site. In summary, the available evidence is currently insufficient to determine the role of this variant in disease. Therefore, it has been classified as a Variant of Uncertain Significance.